The following is an entry in ClinVar:

ClinVar aggregate classification (germline): Uncertain significance. Review status: criteria provided, multiple submitters, no conflicts (2 of 4 stars). 2 submissions from 2 submitters: Uncertain significance (2). Last evaluated 2022-04-04.

Submissions (2):

GeneDx
Classification: Uncertain significance. Last evaluated: 2022-04-04. Review status: criteria provided, single submitter. Criteria: GeneDx Variant Classification Process June 2021. Collection method: clinical testing. Allele origin: germline. Affected: yes.
Comment: Not observed at significant frequency in large population cohorts (gnomAD); In silico analysis supports that this missense variant has a deleterious effect on protein structure/function; Has not been previously published as pathogenic or benign to our knowledge

Blueprint Genetics
Classification: Uncertain significance. Last evaluated: 2021-12-27. Review status: criteria provided, single submitter. Criteria: ACMG Guidelines, 2015. Collection method: clinical testing. Allele origin: germline.

NM_017617.5(NOTCH1):c.1077C>G (p.Cys359Trp)

Gene: NOTCH1 (notch receptor 1; minus strand). Cytogenetic location: 9q34.3.
Variant type: single nucleotide variant.
Coding change: c.1077C>G on transcript NM_017617.5 (MANE Select); coding-DNA position 1077, C replaced by G.
Protein change: p.Cys359Trp; replaces cysteine 359 with tryptophan.
Molecular consequence: missense variant.
Genome position (GRCh38, 1-based): chr9:136,518,613, G>C on the plus strand (C>G on the coding strand, the complement: NOTCH1 is on the minus strand). VCF-style: chr9-136518613-G-C. GRCh37 (hg19) VCF-style: chr9-139413065-G-C.
Other names: short protein forms C359W.
Identifiers: ClinVar variation 1708757 (VCV001708757.3), dbSNP rs202235419, ClinGen allele CA375565275.